The following is an entry in ClinVar:

ClinVar aggregate classification (germline): Uncertain significance. Review status: criteria provided, multiple submitters, no conflicts (2 of 4 stars). 2 submissions from 2 submitters: Uncertain significance (2). Last evaluated 2025-04-27.

Conditions:
3-hydroxy-3-methylglutaryl-CoA synthase deficiency (HMGCS2D). Also called: MITOCHONDRIAL HMG-CoA SYNTHASE DEFICIENCY; HMG-CoA synthase-2 deficiency; HMGCS2 DEFICIENCY. Identifiers: Orphanet 35701, MedGen C2751532, MONDO:0011614, OMIM 605911.

Allele frequency attached by ClinVar (database versions not stated): ExAC 0.00004; gnomAD exomes 0.00004; TOPMed 0.00004; gnomAD 0.00005.
gnomAD v4.1: 124 of 1,613,910 alleles (0.0077%); highest among the groups gnomAD compares: Middle Eastern, 0.017%; no homozygotes.

Submissions (2):

Labcorp Genetics (formerly Invitae), Labcorp
Classification: Uncertain significance for 3-hydroxy-3-methylglutaryl-CoA synthase deficiency. Last evaluated: 2025-04-27. Review status: criteria provided, single submitter. Criteria: Invitae Variant Classification Sherloc (09022015). Collection method: clinical testing. Allele origin: germline.
Comment: This sequence change replaces glycine, which is neutral and non-polar, with serine, which is neutral and polar, at codon 168 of the HMGCS2 protein (p.Gly168Ser). This variant is present in population databases (rs746217014, gnomAD 0.006%). This missense change has been observed in individual(s) with 3-hydroxy-3-methylglutaryl-CoA synthase deficiency (PMID: 25511235). ClinVar contains an entry for this variant (Variation ID: 839670). Invitae Evidence Modeling of protein sequence and biophysical properties (such as structural, functional, and spatial information, amino acid conservation, physicochemical variation, residue mobility, and thermodynamic stability) has been performed for this missense variant. However, the output from this modeling did not meet the statistical confidence thresholds required to predict the impact of this variant on HMGCS2 protein function. In summary, the available evidence is currently insufficient to determine the role of this variant in disease. Therefore, it has been classified as a Variant of Uncertain Significance.

Blueprint Genetics
Classification: Uncertain significance. Last evaluated: 2023-05-17. Review status: criteria provided, single submitter. Criteria: ACMG Guidelines, 2015. Collection method: clinical testing. Allele origin: germline.

Literature cited by the submitters: PubMed 25511235 (cited by Labcorp Genetics (formerly Invitae), Labcorp).

NM_005518.4(HMGCS2):c.502G>A (p.Gly168Ser)

Gene: HMGCS2 (3-hydroxy-3-methylglutaryl-CoA synthase 2; minus strand). Cytogenetic location: 1p12.
Variant type: single nucleotide variant.
Coding change: c.502G>A on transcript NM_005518.4 (MANE Select); coding-DNA position 502, G replaced by A.
Protein change: p.Gly168Ser; replaces glycine 168 with serine.
Molecular consequence: missense variant.
Genome position (GRCh38, 1-based): chr1:119,764,229, C>T on the plus strand (G>A on the coding strand, the complement: HMGCS2 is on the minus strand). VCF-style: chr1-119764229-C-T. GRCh37 (hg19) VCF-style: chr1-120306852-C-T.
Other names: c.502G>A, p.Gly168Ser (NM_001166107.1); short protein forms G168S.
Identifiers: ClinVar variation 839670 (VCV000839670.9), dbSNP rs746217014, ClinGen allele CA1037880.